The following is an entry in ClinVar:

ClinVar aggregate classification (germline): Benign/Likely benign. Review status: criteria provided, multiple submitters, no conflicts (2 of 4 stars). 24 submissions from 17 submitters: Benign (20); Likely benign (2). 2 of the submissions do not count toward it. Last evaluated 2026-02-04.

Conditions:
Cardiovascular phenotype. Identifiers: MedGen CN230736.
Dilated cardiomyopathy 1G (CMD1G). Identifiers: Orphanet 154, MedGen C1858763, MONDO:0011400, OMIM 604145.
Autosomal recessive limb-girdle muscular dystrophy type 2J (LGMDR10). Also called: MUSCULAR DYSTROPHY, LIMB-GIRDLE, AUTOSOMAL RECESSIVE 10; Limb-girdle muscular dystrophy, type 2J. Identifiers: Orphanet 140922, MedGen C1837342, MONDO:0012127, OMIM 608807.
Early-onset myopathy with fatal cardiomyopathy (CMYO5). Also called: CONGENITAL MYOPATHY 5 WITH CARDIOMYOPATHY; Salih Myopathy. Identifiers: Orphanet 289377, MedGen C2673677, MONDO:0012714, OMIM 611705. Disease mechanism: loss of function.
Tibial muscular dystrophy (TMD). Also called: Udd Distal Myopathy – Tibial Muscular Dystrophy; Tibial muscular dystrophy, tardive; UDD MYOPATHY. Identifiers: Orphanet 609, MedGen C1838244, MONDO:0010870, OMIM 600334.
Myopathy, myofibrillar, 9, with early respiratory failure (MFM9). Also called: Myopathy, distal, with early respiratory failure, autosomal dominant; Hereditary myopathy with early respiratory failure; MYOPATHY, PROXIMAL, WITH EARLY RESPIRATORY MUSCLE INVOLVEMENT; EDSTROM MYOPATHY. Identifiers: Orphanet 178464, Orphanet 34521, MedGen C1863599, MONDO:0011362, OMIM 603689.

Allele frequency attached by ClinVar (database versions not stated): ExAC 0.17456; 1000 Genomes Project 30x 0.20050; gnomAD exomes 0.17500; gnomAD 0.13213 and 0.13862; 1000 Genomes Project 0.20807; ESP Exome Variant Server 0.12208; TOPMed 0.13640.
gnomAD v4.1: 245,381 of 1,613,086 alleles (15%); highest among the groups gnomAD compares: East Asian, 43%; 21,744 homozygotes.

Submissions (24):

Labcorp Genetics (formerly Invitae), Labcorp
Classification: Benign for Dilated cardiomyopathy 1G; Autosomal recessive limb-girdle muscular dystrophy type 2J. Last evaluated: 2026-02-04. Review status: criteria provided, single submitter. Criteria: Invitae Variant Classification Sherloc (09022015). Collection method: clinical testing. Allele origin: germline.

Molecular Diagnostic Laboratory for Inherited Cardiovascular Disease, Montreal Heart Institute
Classification: Benign. Last evaluated: 2025-04-09. Review status: criteria provided, single submitter. Criteria: ACMG Guidelines, 2015. Collection method: clinical testing. Allele origin: germline. Affected: no.

Genome-Nilou Lab
Classification: Benign for Autosomal recessive limb-girdle muscular dystrophy type 2J. Last evaluated: 2021-09-10. Review status: criteria provided, single submitter. Criteria: ACMG Guidelines, 2015. Collection method: clinical testing. Allele origin: germline. Affected: no.

Genome-Nilou Lab
Classification: Benign for Myopathy, myofibrillar, 9, with early respiratory failure. Last evaluated: 2021-09-10. Review status: criteria provided, single submitter. Criteria: ACMG Guidelines, 2015. Collection method: clinical testing. Allele origin: germline. Affected: no.

Genome-Nilou Lab
Classification: Benign for Early-onset myopathy with fatal cardiomyopathy. Last evaluated: 2021-09-10. Review status: criteria provided, single submitter. Criteria: ACMG Guidelines, 2015. Collection method: clinical testing. Allele origin: germline. Affected: no.

Genome-Nilou Lab
Classification: Benign for Tibial muscular dystrophy. Last evaluated: 2021-09-10. Review status: criteria provided, single submitter. Criteria: ACMG Guidelines, 2015. Collection method: clinical testing. Allele origin: germline. Affected: no.

Women's Health and Genetics/Laboratory Corporation of America, LabCorp
Classification: Likely benign. Last evaluated: 2020-08-18. Review status: criteria provided, single submitter. Criteria: LabCorp Variant Classification Summary - May 2015. Collection method: clinical testing. Allele origin: germline.

Athena Diagnostics
Classification: Benign. Last evaluated: 2018-11-28. Review status: criteria provided, single submitter. Criteria: Athena Diagnostics Criteria. Collection method: clinical testing. Allele origin: germline.

Illumina Laboratory Services, Illumina
Classification: Benign for Autosomal recessive limb-girdle muscular dystrophy type 2J. Last evaluated: 2018-01-13. Review status: criteria provided, single submitter. Criteria: ICSL Variant Classification Criteria 13 December 2019. Collection method: clinical testing. Allele origin: germline.
Comment: This variant was observed in the ICSL laboratory as part of a predisposition screen in an ostensibly healthy population. It had not been previously curated by ICSL or reported in the Human Gene Mutation Database (HGMD: prior to June 1st, 2018), and was therefore a candidate for classification through an automated scoring system. Utilizing variant allele frequency, disease prevalence and penetrance estimates, and inheritance mode, an automated score was calculated to assess if this variant is too frequent to cause the disease. Based on the score and internal cut-off values, a variant classified as benign is not then subjected to further curation. The score for this variant resulted in a classification of benign for this disease.

Illumina Laboratory Services, Illumina
Classification: Benign for Early-onset myopathy with fatal cardiomyopathy. Last evaluated: 2018-01-13. Review status: criteria provided, single submitter. Criteria: ICSL Variant Classification Criteria 13 December 2019. Collection method: clinical testing. Allele origin: germline.
Comment: the same text as in the submission from Illumina Laboratory Services, Illumina above.

Illumina Laboratory Services, Illumina
Classification: Benign for Dilated cardiomyopathy 1G. Last evaluated: 2018-01-13. Review status: criteria provided, single submitter. Criteria: ICSL Variant Classification Criteria 13 December 2019. Collection method: clinical testing. Allele origin: germline.
Comment: the same text as in the submission from Illumina Laboratory Services, Illumina above.

Illumina Laboratory Services, Illumina
Classification: Benign for Tibial muscular dystrophy. Last evaluated: 2018-01-13. Review status: criteria provided, single submitter. Criteria: ICSL Variant Classification Criteria 13 December 2019. Collection method: clinical testing. Allele origin: germline.
Comment: the same text as in the submission from Illumina Laboratory Services, Illumina above.

Illumina Laboratory Services, Illumina
Classification: Benign for Myopathy, myofibrillar, 9, with early respiratory failure. Last evaluated: 2018-01-13. Review status: criteria provided, single submitter. Criteria: ICSL Variant Classification Criteria 13 December 2019. Collection method: clinical testing. Allele origin: germline.
Comment: the same text as in the submission from Illumina Laboratory Services, Illumina above.

Mayo Clinic Laboratories, Mayo Clinic
Classification: Benign. Last evaluated: 2017-08-25. Review status: criteria provided, single submitter. Criteria: ACMG Guidelines, 2015. Collection method: clinical testing. Allele origin: germline. Observed: 624 variant alleles.

Genetic Services Laboratory, University of Chicago
Classification: Benign for AllHighlyPenetrant. Last evaluated: 2013-08-15. Review status: criteria provided, single submitter. Criteria: ACMG Guidelines, 2007. Collection method: clinical testing. Allele origin: germline.

Eurofins Ntd Llc (ga)
Classification: Benign. Last evaluated: 2013-07-30. Review status: criteria provided, single submitter. Criteria: EGL Classification Definitions 2015. Collection method: clinical testing. Allele origin: germline. Observed: 1 variant allele, 1 heterozygote.

Biesecker Lab/Clinical Genomics Section, National Institutes of Health
Classification: Benign. Last evaluated: 2013-06-24. Review status: criteria provided, single submitter. Criteria: Ng et al. (Circ Cardiovasc Genet. 2013). Collection method: research. Allele origin: unknown. Observed: 142 variant alleles. Study: ClinSeq.
Comment: The study set was not selected for affection status in relation to any cancer. Pathogenicity categories were based on literature curation. See Pubmed ID:23861362 for details.

Medical sequencing

Ambry Genetics
Classification: Benign for Cardiovascular phenotype. Last evaluated: 2013-01-16. Review status: criteria provided, single submitter. Criteria: Ambry Autosomal Dominant and X-Linked criteria (10/2015). Collection method: clinical testing. Allele origin: germline. Observed: 1 variant allele.

GeneDx
Classification: Benign. Last evaluated: 2012-11-07. Review status: criteria provided, single submitter. Criteria: GeneDx Variant Classification (06012015). Collection method: clinical testing. Allele origin: germline. Affected: yes.
Comment: This variant is considered likely benign or benign based on one or more of the following criteria: it is a conservative change, it occurs at a poorly conserved position in the protein, it is predicted to be benign by multiple in silico algorithms, and/or has population frequency not consistent with disease.

Laboratory for Molecular Medicine, Mass General Brigham Personalized Medicine
Classification: Benign. Last evaluated: 2011-12-01. Review status: criteria provided, single submitter. Criteria: LMM Criteria. Collection method: clinical testing. Allele origin: germline. Observed: 452 variant alleles.

Breakthrough Genomics
Classification: Likely benign. Review status: criteria provided, single submitter. Criteria: ACMG Guidelines, 2015. Collection method: not provided. Allele origin: germline. Inheritance: Autosomal recessive inheritance. Affected: yes.

PreventionGenetics, part of Exact Sciences
Classification: Benign. Review status: criteria provided, single submitter. Criteria: ACMG Guidelines, 2015. Collection method: clinical testing. Allele origin: germline.

Clinical Genetics DNA and cytogenetics Diagnostics Lab, Erasmus MC, Erasmus Medical Center
Classification: Benign. Review status: no assertion criteria provided. Collection method: clinical testing. Allele origin: germline. Affected: yes. Study: VKGL Data-share Consensus. Not counted in ClinVar's aggregate classification.

Clinical Genetics, Academic Medical Center
Classification: Benign. Review status: no assertion criteria provided. Collection method: clinical testing. Allele origin: germline. Affected: yes. Study: VKGL Data-share Consensus. Not counted in ClinVar's aggregate classification.

NM_001267550.2(TTN):c.74839C>T (p.Arg24947Cys)

Genes: TTN (titin; minus strand), TTN-AS1 (TTN antisense RNA 1; plus strand). Cytogenetic location: 2q31.2.
Variant type: single nucleotide variant.
Coding change: c.74839C>T on transcript NM_001267550.2 (MANE Select); coding-DNA position 74839, C replaced by T.
Protein change: p.Arg24947Cys; replaces arginine 24947 with cysteine.
Molecular consequence: missense variant.
Genome position (GRCh38, 1-based): chr2:178,571,293, G>A on the plus strand (C>T on the coding strand, the complement: TTN is on the minus strand). VCF-style: chr2-178571293-G-A. GRCh37 (hg19) VCF-style: chr2-179436020-G-A.
Other names: p.R23306C:CGC>TGC; c.48019C>T, p.Arg16007Cys (NM_133432.3); c.48220C>T, p.Arg16074Cys (NM_133437.4); c.69916C>T, p.Arg23306Cys (NM_001256850.1); c.47644C>T, p.Arg15882Cys (NM_003319.4); c.67135C>T, p.Arg22379Cys (NM_133378.4); short protein forms R24947C, R22379C, R23306C, R15882C, R16074C, R16007C.
Identifiers: ClinVar variation 47329 (VCV000047329.37), dbSNP rs744426, ClinGen allele CA283744.